The following is an entry in ClinVar:

NM_001199753.2(CPT1C):c.748G>A (p.Val250Met)

Gene: CPT1C (carnitine palmitoyltransferase 1C; plus strand). Cytogenetic location: 19q13.33.
Variant type: single nucleotide variant.
Coding change: c.748G>A on transcript NM_001199753.2 (MANE Select); coding-DNA position 748, G replaced by A.
Protein change: p.Val250Met; replaces valine 250 with methionine.
Molecular consequence: missense variant. On other transcripts: non-coding transcript variant (1).
Genome position (GRCh38, 1-based): chr19:49,704,764, G>A. VCF-style: chr19-49704764-G-A. GRCh37 (hg19) VCF-style: chr19-50208021-G-A.
Other names: c.748G>A, p.Val250Met (NM_001136052.3, NM_001199752.3, NM_001378482.1 and 7 more transcripts); short protein forms V250M.
Identifiers: ClinVar variation 2102144 (VCV002102144.4), dbSNP rs2514148188, ClinGen allele CA406902132.
Genomic context (GRCh38, chr19:49,704,764, plus strand): 5'-TCCCAGGTCAGTGACTGGTGGGAGGAATTTGTGTACCTGCGCTCCCGAAATCCGCTGATG[G>A]TGAACAGCAACTATTACATGATGGTGAGAAGGGGAGGGGTGAGGTTCATAGGCCCCAGGT-3'
Protein context (NP_001186682.1, residues 240-260): VYLRSRNPLM[Val250Met]NSNYYMMDFL

ClinVar aggregate classification (germline): Uncertain significance (1 of 4 stars; one submission).

Conditions:
Hereditary spastic paraplegia 73. Also called: Spastic paraplegia 73, autosomal dominant. Identifiers: Orphanet 444099, MedGen C5568981, MONDO:0014568, OMIM 616282.

Submission:

Labcorp Genetics (formerly Invitae), Labcorp
Classification: Uncertain significance for Hereditary spastic paraplegia 73. Last evaluated: 2023-10-03. Review status: criteria provided, single submitter. Criteria: Invitae Variant Classification Sherloc (09022015). Collection method: clinical testing. Allele origin: germline.
Comment: This sequence change replaces valine, which is neutral and non-polar, with methionine, which is neutral and non-polar, at codon 250 of the CPT1C protein (p.Val250Met). This variant is not present in population databases (gnomAD no frequency). This variant has not been reported in the literature in individuals affected with CPT1C-related conditions. ClinVar contains an entry for this variant (Variation ID: 2102144). Advanced modeling of protein sequence and biophysical properties (such as structural, functional, and spatial information, amino acid conservation, physicochemical variation, residue mobility, and thermodynamic stability) has been performed at Invitae for this missense variant, however the output from this modeling did not meet the statistical confidence thresholds required to predict the impact of this variant on CPT1C protein function. In summary, the available evidence is currently insufficient to determine the role of this variant in disease. Therefore, it has been classified as a Variant of Uncertain Significance.